The following is an entry in ClinVar:

NM_020937.4(FANCM):c.4855A>T (p.Ser1619Cys)

Gene: FANCM (FA complementation group M; plus strand). Cytogenetic location: 14q21.2.
Variant type: single nucleotide variant.
Coding change: c.4855A>T on transcript NM_020937.4 (MANE Select); coding-DNA position 4855, A replaced by T.
Protein change: p.Ser1619Cys; replaces serine 1619 with cysteine.
Molecular consequence: missense variant.
Genome position (GRCh38, 1-based): chr14:45,188,877, A>T. VCF-style: chr14-45188877-A-T. GRCh37 (hg19) VCF-style: chr14-45658080-A-T.
Other names: c.4777A>T, p.Ser1593Cys (NM_001308133.2); short protein forms S1593C, S1619C.
Identifiers: ClinVar variation 4871150 (VCV004871150.1).

ClinVar aggregate classification (germline): Uncertain significance (1 of 4 stars; one submission).

Conditions:
Inborn genetic diseases. Identifiers: MedGen C0950123, MeSH D030342.

Submission:

Ambry Genetics
Classification: Uncertain significance for Inborn genetic diseases. Last evaluated: 2026-05-18. Review status: criteria provided, single submitter. Criteria: Ambry Variant Classification Scheme 2023. Collection method: clinical testing. Allele origin: germline.
Comment: The p.S1619C variant (also known as c.4855A>T), located in coding exon 20 of the FANCM gene, results from an A to T substitution at nucleotide position 4855. The serine at codon 1619 is replaced by cysteine, an amino acid with dissimilar properties. This amino acid position is conserved. In addition, this alteration is predicted to be tolerated by in silico analysis. Based on the available evidence, the clinical significance of this variant remains unclear.